The following is an entry in ClinVar:

NM_000123.4(ERCC5):c.274A>T (p.Arg92Trp)

Genes: BIVM-ERCC5 (BIVM-ERCC5 readthrough; plus strand), ERCC5 (ERCC excision repair 5, endonuclease; plus strand). Cytogenetic location: 13q33.1.
Variant type: single nucleotide variant.
Coding change: c.274A>T on transcript NM_000123.4 (MANE Select); coding-DNA position 274, A replaced by T.
Protein change: p.Arg92Trp; replaces arginine 92 with tryptophan.
Molecular consequence: missense variant.
Genome position (GRCh38, 1-based): chr13:102,853,766, A>T. VCF-style: chr13-102853766-A-T. GRCh37 (hg19) VCF-style: chr13-103506116-A-T.
Other names: c.1636A>T, p.Arg546Trp (NM_001204425.2); short protein forms R546W, R92W.
Identifiers: ClinVar variation 1692185 (VCV001692185.1), dbSNP rs764029659, ClinGen allele CA7041101.
Genomic context (GRCh38, chr13:102,853,766, plus strand): 5'-TCTAGTGGTCTAATATCCTGAAGTGAGATCTTACATCCTTTCTTCTCATAGGTGAAGAGA[A>T]GGCAGAGAAAGGACTTAGCGTCCAGTGACTCCAGGAAAACGACAGAGAAGCTTCTGAAAA-3'
Protein context (NP_000114.3, residues 82-102): LLKKQTLVKR[Arg92Trp]QRKDLASSDS

ClinVar aggregate classification (germline): Uncertain significance (1 of 4 stars; one submission).

Conditions:
Hereditary cancer-predisposing syndrome. Also called: Hereditary Cancer Syndrome; Hereditary neoplastic syndrome; Neoplastic Syndromes, Hereditary; Tumor predisposition. Identifiers: Orphanet 140162, MedGen C0027672, MeSH D009386, MONDO:0015356.

Allele frequency attached by ClinVar (database versions not stated): gnomAD exomes below 0.00001 and 0.00001; ExAC 0.00001.

Submission:

Sema4
Classification: Uncertain significance for Hereditary cancer-predisposing syndrome. Last evaluated: 2021-05-03. Review status: criteria provided, single submitter. Criteria: Sema4 Curation Guidelines. Collection method: curation. Allele origin: germline.
Comment: The ERCC5 c.274A>T (p.R92W) variant has been reported in at least one individual with colorectal cancer (PMID: 27356891). It was observed in 1/113572 chromosomes of the Non-Finnish European subpopulation in the large and broad cohorts of the Genome Aggregation Database (PMID: 32461654). The variant has not been reported in ClinVar. In silico tools suggest the impact of the variant on protein function is inconclusive though these predictions have not been confirmed by functional studies. The evidence is insufficient to meet ACMG/AMP criteria for classifying the variant as benign or pathogenic. Thus, the clinical significance of this variant is currently uncertain.

Literature cited by the submitters: PubMed 27356891.